The following is an entry in ClinVar:

NM_001113378.2(FANCI):c.3282G>A (p.Lys1094=)

Gene: FANCI (FA complementation group I; plus strand). Cytogenetic location: 15q26.1.
Variant type: single nucleotide variant.
Coding change: c.3282G>A on transcript NM_001113378.2 (MANE Select); coding-DNA position 3282, G replaced by A.
Protein change: p.Lys1094=; no amino-acid change (lysine 1094 retained).
Molecular consequence: synonymous variant.
Genome position (GRCh38, 1-based): chr15:89,305,631, G>A. VCF-style: chr15-89305631-G-A. GRCh37 (hg19) VCF-style: chr15-89848862-G-A.
Other names: c.3003G>A, p.Lys1001= (NM_001376910.1); c.3282G>A, p.Lys1094= (NM_001376911.1); c.3102G>A, p.Lys1034= (NM_018193.3).
Identifiers: ClinVar variation 2740029 (VCV002740029.11), dbSNP rs770979600, ClinGen allele CA492064406.

ClinVar aggregate classification (germline): Likely benign. Review status: criteria provided, multiple submitters, no conflicts (2 of 4 stars). 2 submissions from 2 submitters: Likely benign (2). Last evaluated 2025-07-01.

Conditions:
Fanconi anemia (FA). Also called: Fanconi's anemia. Identifiers: Orphanet 84, MedGen C0015625, MeSH D005199, MONDO:0019391.

Allele frequency attached by ClinVar (database versions not stated): TOPMed below 0.00001.

Submissions (2):

CeGaT Center for Human Genetics Tuebingen
Classification: Likely benign. Last evaluated: 2025-07-01. Review status: criteria provided, single submitter. Criteria: CeGaT Center For Human Genetics Tuebingen Variant Classification Criteria Version 2. Collection method: clinical testing. Allele origin: germline. Affected: yes. Observed: 1 variant allele.
Comment: FANCI: PM2:Supporting, BP4, BP7

Labcorp Genetics (formerly Invitae), Labcorp
Classification: Likely benign for Fanconi anemia. Last evaluated: 2023-10-06. Review status: criteria provided, single submitter. Criteria: Invitae Variant Classification Sherloc (09022015). Collection method: clinical testing. Allele origin: germline.